The following is an entry in ClinVar:

ClinVar aggregate classification (germline): Conflicting classifications of pathogenicity. Review status: criteria provided, conflicting classifications (1 of 4 stars). 4 submissions from 4 submitters: Uncertain significance (1); Benign (1); Likely benign (2). Last evaluated 2026-01-25.

Conditions:
Predisposition to invasive fungal disease due to CARD9 deficiency (IMD103). Also called: CARD9 IMMUNODEFICIENCY; IMMUNODEFICIENCY 103, SUSCEPTIBILITY TO FUNGAL INFECTIONS; Candidiasis, familial, 2, autosomal recessive. Identifiers: Orphanet 457088, MedGen C1859353, MONDO:0008905, OMIM 212050.

Allele frequency attached by ClinVar (database versions not stated): 1000 Genomes Project 0.00120; 1000 Genomes Project 30x 0.00125; ESP Exome Variant Server 0.00131; TOPMed 0.00161.
gnomAD v4.1: 2,704 of 1,609,710 alleles (0.17%); highest among the groups gnomAD compares: Middle Eastern, 0.33%; 5 homozygotes.

Submissions (4):

Labcorp Genetics (formerly Invitae), Labcorp
Classification: Benign for Predisposition to invasive fungal disease due to CARD9 deficiency. Last evaluated: 2026-01-25. Review status: criteria provided, single submitter. Criteria: Invitae Variant Classification Sherloc (09022015). Collection method: clinical testing. Allele origin: germline.

Mayo Clinic Laboratories, Mayo Clinic
Classification: Likely benign. Last evaluated: 2025-10-30. Review status: criteria provided, single submitter. Criteria: ACMG Guidelines, 2015. Collection method: clinical testing. Allele origin: germline. Observed: 1 variant allele.
Comment: BS1, BP4, BP7

Blueprint Genetics
Classification: Likely benign. Last evaluated: 2024-11-06. Review status: criteria provided, single submitter. Criteria: ACMG Guidelines, 2015. Collection method: clinical testing. Allele origin: germline.

Illumina Laboratory Services, Illumina
Classification: Uncertain significance for Predisposition to invasive fungal disease due to CARD9 deficiency. Last evaluated: 2018-01-12. Review status: criteria provided, single submitter. Criteria: ICSL Variant Classification Criteria 13 December 2019. Collection method: clinical testing. Allele origin: germline.

NM_052813.5(CARD9):c.808-9C>A

Gene: CARD9 (caspase recruitment domain family member 9; minus strand). Cytogenetic location: 9q34.3.
Variant type: single nucleotide variant.
Coding change: c.808-9C>A on transcript NM_052813.5 (MANE Select); 9 bases into the intron before coding-DNA position 808, C replaced by A.
Molecular consequence: intron variant.
Genome position (GRCh38, 1-based): chr9:136,370,446, G>T on the plus strand (C>A on the coding strand, the complement: CARD9 is on the minus strand). VCF-style: chr9-136370446-G-T. GRCh37 (hg19) VCF-style: chr9-139264898-G-T.
Other names: p.?; c.808-9C>A (NM_052814.4).
Identifiers: ClinVar variation 365845 (VCV000365845.18), dbSNP rs200458322, ClinGen allele CA5332964.
Genomic context (GRCh38, chr9:136,370,446, plus strand): 5'-AGTCCTCCTCCAGTACCTGGATGTAGGGGCTGCTCCTGTCCAGCTTCCCCTCCTGAAGGG[G>T]GCAAAAGGCAATGGCCTGGCTGGGAAGGCCCCCACTGCCCTGCCTGGGCTGCACCTGCCC-3'